The following is an entry in ClinVar:

ClinVar aggregate classification (germline): Pathogenic (1 of 4 stars; one submission).

Conditions:
Creatine transporter deficiency (CCDS1). Also called: CEREBRAL CREATINE DEFICIENCY SYNDROME 1; Mental retardation , X-linked with seizures, short stature and midface hypoplasia; Mental retardation , X-linked, with creatine transport deficiency; X-linked creatine transporter deficiency; X-linked creatine deficiency syndrome; SLC6A8-Related Creatine Transporter Deficiency. Identifiers: Orphanet 52503, MedGen C1845862, MONDO:0010305, OMIM 300352.

Submission:

Victorian Clinical Genetics Services, Murdoch Childrens Research Institute
Classification: Pathogenic for Creatine transporter deficiency. Last evaluated: 2024-10-09. Review status: criteria provided, single submitter. Criteria: ACMG Guidelines, 2015. Collection method: clinical testing. Allele origin: germline. Inheritance: X-linked recessive inheritance. Affected: yes.
Comment: Based on the classification scheme VCGS_Germline_v1.3.4, this variant is classified as Pathogenic. Following criteria are met: 0102 - Loss of function is a known mechanism of disease in this gene and is associated with cerebral creatine deficiency syndrome 1 (MIM#300352). (I) 0109 - This gene is associated with X-linked disease. Heterozygous females are typically either asymptomatic or have mild intellectual disability (PMID: 11898126, 11326334, 20301745). No correlation has been found between skewed X-chromosome inactivation in favour of the pathogenic variant and severity of clinical phenotype (PMID: 20301745). (I) 0211 - Canonical splice site variant without proven consequence on splicing (no functional evidence available). This deletion encompasses 15 nucleotides of intron 7, including the canonical site, and 24 nucleotides of exon 8. Therefore, the effect on protein sequence is uncertain. (SP) 0253 - This variant is hemizygous. (I) 0301 - Variant is absent from gnomAD (both v2 and v3). (SP) 0505 - Abnormal splicing is predicted by in silico tools and affected nucleotides are highly conserved. (SP) 0703 - Other splice variants comparable to the one identified in this case have moderate previous evidence for pathogenicity. c.1142-2A>C has been classified as pathogenic in ClinVar and c.1142-2_1142-1insGGGCC has been observed in a heterozygous individual, classified as likely pathogenic (PMID: 37587458). (SP) 0807 - This variant has no previous evidence of pathogenicity. (I) 0905 - No published segregation evidence has been identified for this variant. (I) 1007 - No published functional evidence has been identified for this variant. (I) 1101 - Very strong and specific phenotype match for this individual. (SP) Legend: (SP) - Supporting pathogenic, (I) - Information, (SB) - Supporting benign

Literature cited by the submitters: PubMed 11326334; PubMed 11898126; PubMed 20301745; PubMed 37587458.

NM_005629.4(SLC6A8):c.1142-15_1165del

Gene: SLC6A8 (solute carrier family 6 member 8; plus strand). Cytogenetic location: Xq28.
Variant type: Deletion.
Coding change: c.1142-15_1165del on transcript NM_005629.4 (MANE Select); 15 bases into the intron before coding-DNA position 1142 through coding-DNA position 1165, 39 bases deleted.
Molecular consequence: splice acceptor variant.
Genome position (GRCh38, 1-based): chrX:153,693,890-153,693,928, 39 bases deleted; deleting any 39 consecutive bases within chrX:153,693,886-153,693,928 gives the same sequence; the c. name uses the placement nearest the transcript's 3' end. GRCh37 (hg19): chrX:152,959,345-152,959,383.
Other names: c.1112-15_1135del (NM_001142805.2); c.797-15_820del (NM_001142806.1).
Identifiers: ClinVar variation 3377343 (VCV003377343.1).